The following is an entry in ClinVar:

NM_000368.5(TSC1):c.363+668G>A

Gene: TSC1 (TSC complex subunit 1; minus strand). Cytogenetic location: 9q34.13.
Variant type: single nucleotide variant.
Coding change: c.363+668G>A on transcript NM_000368.5 (MANE Select); 668 bases into the intron after coding-DNA position 363, G replaced by A.
Molecular consequence: intron variant. On other transcripts: 5 prime UTR variant (2).
Genome position (GRCh38, 1-based): chr9:132,924,919, C>T on the plus strand (G>A on the coding strand, the complement: TSC1 is on the minus strand). VCF-style: chr9-132924919-C-T. GRCh37 (hg19) VCF-style: chr9-135800306-C-T.
Other names: c.-105G>A (NM_001406615.1, NM_001406623.1); c.-1+668G>A (NM_001406620.1, NM_001406618.1, NM_001406625.1 and 5 more transcripts); c.211-1427G>A (NM_001406613.1, NM_001406612.1, NM_001406610.1 and 2 more transcripts); c.-515+668G>A (NM_001406627.1, NM_001406628.1, NM_001406626.1); c.-657+668G>A (NM_001406629.1); c.363+668G>A (NM_001406603.1, NM_001406609.1, NM_001406597.1 and 16 more transcripts); c.-92-13G>A (NM_001406614.1, NM_001406624.1, NM_001406616.1); c.-731+668G>A (NM_001406630.1).
Identifiers: ClinVar variation 3780751 (VCV003780751.3).

ClinVar aggregate classification (germline): Pathogenic/Likely pathogenic. Review status: criteria provided, multiple submitters, no conflicts (2 of 4 stars). 2 submissions from 2 submitters: Pathogenic (1); Likely pathogenic (1).

Conditions:
Lymphangiomyomatosis (LAM). Also called: Lymphangioleiomyomatosis; Lymphangioleiomyomatosis, somatic. Identifiers: Orphanet 538, MedGen C0751674, MONDO:0011705, OMIM 606690.
Isolated focal cortical dysplasia type II (FCORD2). Also called: CORTICAL DYSPLASIA OF TAYLOR; Focal cortical dysplasia type II. Identifiers: Orphanet 268994, MedGen C1846385, MONDO:0011818, OMIM 607341, HP:0032051.
Tuberous sclerosis 1 (TSC1). Identifiers: Orphanet 805, MedGen C1854465, MONDO:0008612, OMIM 191100.
Tuberous sclerosis syndrome (TSC). Also called: Tuberous Sclerosis Complex; Tuberous sclerosis. Identifiers: Orphanet 805, MedGen C0041341, MONDO:0001734.

Submissions (2):

Department of Pathology and Laboratory Medicine, Sinai Health System
Classification: Likely pathogenic for tuberous sclerosis. Review status: criteria provided, single submitter. Criteria: ACMG Guidelines, 2015. Collection method: clinical testing. Allele origin: germline.

Juno Genomics, Hangzhou Juno Genomics, Inc
Classification: Pathogenic for Tuberous sclerosis 1; Isolated focal cortical dysplasia type II; Lymphangiomyomatosis. Review status: criteria provided, single submitter. Criteria: ACMG Guidelines, 2015. Collection method: clinical testing. Allele origin: germline.
Comment: Absent from controls (or at extremely low frequency if recessive) in Genome Aggregation Database.;Null variant in a gene where loss of function (LOF) is a known mechanism of disease.;Co-segregation with disease in multiple affected family members.;Patient's phenotype or family history is highly specific for a disease with a single genetic etiology.